The following is an entry in ClinVar:

NM_001256271.2(VSX1):c.698G>A (p.Arg233His)

Gene: VSX1 (visual system homeobox 1; minus strand). Cytogenetic location: 20p11.21.
Variant type: single nucleotide variant.
Coding change: c.698G>A on transcript NM_001256271.2; coding-DNA position 698, G replaced by A.
Protein change: p.Arg233His; replaces arginine 233 with histidine.
Molecular consequence: missense variant. On other transcripts: non-coding transcript variant (5), synonymous variant (1).
Genome position (GRCh38, 1-based): chr20:25,071,948, C>T on the plus strand (G>A on the coding strand, the complement: VSX1 is on the minus strand). VCF-style: chr20-25071948-C-T. GRCh37 (hg19) VCF-style: chr20-25052584-C-T.
Other names: c.879G>A, p.Pro293= (NM_001256272.2); short protein forms R233H.
Identifiers: ClinVar variation 4982923 (VCV004982923.1).

ClinVar aggregate classification (germline): Likely benign (1 of 4 stars; one submission).

Conditions:
VSX1-related disorder. Also called: VSX1-related condition.

gnomAD v4.1: 62 of 661,620 alleles (0.0094%); highest among the groups gnomAD compares: African/African-American, 0.089%; no homozygotes.

Submission:

PreventionGenetics, part of Exact Sciences
Classification: Likely benign for VSX1-related condition. Last evaluated: 2025-11-03. Review status: criteria provided, single submitter. Criteria: ACMG Guidelines, 2015. Collection method: clinical testing. Allele origin: germline.
Comment: This variant is classified as likely benign based on ACMG/AMP sequence variant interpretation guidelines (Richards et al. 2015 PMID: 25741868, with internal and published modifications).